The following is an entry in ClinVar:

NM_000180.4(GUCY2D):c.2335G>T (p.Glu779Ter)

Gene: GUCY2D (guanylate cyclase 2D, retinal; plus strand). Cytogenetic location: 17p13.1.
Variant type: single nucleotide variant.
Coding change: c.2335G>T on transcript NM_000180.4 (MANE Select); coding-DNA position 2335, G replaced by T.
Protein change: p.Glu779Ter; replaces glutamic acid 779 with a stop codon.
Molecular consequence: nonsense.
Genome position (GRCh38, 1-based): chr17:8,013,951, G>T. VCF-style: chr17-8013951-G-T. GRCh37 (hg19) VCF-style: chr17-7917269-G-T.
Other names: short protein forms E779*.
Identifiers: ClinVar variation 419706 (VCV000419706.3), dbSNP rs541299023, ClinGen allele CA16620649.

ClinVar aggregate classification (germline): Pathogenic/Likely pathogenic. Review status: criteria provided, multiple submitters, no conflicts (2 of 4 stars). 2 submissions from 2 submitters: Pathogenic (1); Likely pathogenic (1). Last evaluated 2021-09-21.

Conditions:
GUCY2D-related disorders.

Allele frequency attached by ClinVar (database versions not stated): TOPMed 0.00002.
gnomAD v4.1: 2 of 1,613,506 alleles (0.00012%); highest among the groups gnomAD compares: Non-Finnish European, 0.00017%; no homozygotes.

Submissions (2):

Blueprint Genetics
Classification: Likely pathogenic for GUCY2D-related disorders. Last evaluated: 2021-09-21. Review status: criteria provided, single submitter. Criteria: ACMG Guidelines, 2015. Collection method: clinical testing. Allele origin: germline. Affected: yes. Observed: 1 variant allele.

GeneDx
Classification: Pathogenic. Last evaluated: 2015-08-20. Review status: criteria provided, single submitter. Criteria: GeneDx Variant Classification (06012015). Collection method: clinical testing. Allele origin: germline. Affected: yes.
Comment: The E779X nonsense variant in the GUCY2D gene has not been reported previously as a pathogenic variantnor as a benign polymorphism, to our knowledge. This variant is predicted to cause loss of normal protein function either through protein truncation or nonsense-mediated mRNA decay. E779X was not observed in approximately 6,500 individuals of European and African American ancestry in the NHLBI Exome Sequencing Project, indicating it is not a common benign variant in these populations. We interpret E779X as a pathogenic variant.